The following is an entry in ClinVar:

ClinVar aggregate classification (germline): Uncertain significance (1 of 4 stars; one submission).

Allele frequency attached by ClinVar (database versions not stated): gnomAD exomes below 0.00001; gnomAD 0.00001.
gnomAD v4.1: 2 of 1,611,750 alleles (0.00012%); highest among the groups gnomAD compares: South Asian, 0.0022%; no homozygotes.

Submission:

Ambry Genetics
Classification: Uncertain significance. Last evaluated: 2024-02-25. Review status: criteria provided, single submitter. Criteria: Ambry Variant Classification Scheme 2023. Collection method: clinical testing. Allele origin: germline.
Comment: The p.I129T variant (also known as c.386T>C), located in coding exon 3 of the POLQ gene, results from a T to C substitution at nucleotide position 386. The isoleucine at codon 129 is replaced by threonine, an amino acid with similar properties. This amino acid position is conserved. In addition, this alteration is predicted to be tolerated by in silico analysis. Based on the available evidence, the clinical significance of this alteration remains unclear.

NM_199420.4(POLQ):c.386T>C (p.Ile129Thr)

Gene: POLQ (DNA polymerase theta; minus strand). Cytogenetic location: 3q13.33.
Variant type: single nucleotide variant.
Coding change: c.386T>C on transcript NM_199420.4 (MANE Select); coding-DNA position 386, T replaced by C.
Protein change: p.Ile129Thr; replaces isoleucine 129 with threonine.
Molecular consequence: missense variant.
Genome position (GRCh38, 1-based): chr3:121,541,437, A>G on the plus strand (T>C on the coding strand, the complement: POLQ is on the minus strand). VCF-style: chr3-121541437-A-G. GRCh37 (hg19) VCF-style: chr3-121260284-A-G.
Other names: short protein forms I129T.
Identifiers: ClinVar variation 3229973 (VCV003229973.1), dbSNP rs2048488999, ClinGen allele CA354093285.